The following is an entry in ClinVar:

ClinVar aggregate classification (germline): Likely benign. Review status: criteria provided, multiple submitters, no conflicts (2 of 4 stars). 7 submissions from 7 submitters: Likely benign (6). 1 of the submissions does not count toward it. Last evaluated 2026-01-28.

Conditions:
Inborn genetic diseases. Identifiers: MedGen C0950123, MeSH D030342.
FRAS1-related disorder. Also called: FRAS1-related condition.

Allele frequency attached by ClinVar (database versions not stated): gnomAD 0.00313 and 0.00285; TOPMed 0.00370; gnomAD exomes 0.00035 and 0.00083; ExAC 0.00088; 1000 Genomes Project 30x 0.00219; 1000 Genomes Project 0.00240; ESP Exome Variant Server 0.00244.
gnomAD v4.1: 957 of 1,613,622 alleles (0.059%); highest among the groups gnomAD compares: African/African-American, 0.99%; 2 homozygotes.

Submissions (7):

Labcorp Genetics (formerly Invitae), Labcorp
Classification: Likely benign. Last evaluated: 2026-01-28. Review status: criteria provided, single submitter. Criteria: Invitae Variant Classification Sherloc (09022015). Collection method: clinical testing. Allele origin: germline.

Mayo Clinic Laboratories, Mayo Clinic
Classification: Likely benign. Last evaluated: 2025-10-17. Review status: criteria provided, single submitter. Criteria: ACMG Guidelines, 2015. Collection method: clinical testing. Allele origin: germline. Observed: 1 variant allele.
Comment: BS1, BP4_moderate

Ambry Genetics
Classification: Likely benign for Inborn genetic diseases. Last evaluated: 2025-08-02. Review status: criteria provided, single submitter. Criteria: Ambry Variant Classification Scheme 2023. Collection method: clinical testing. Allele origin: germline.

Blueprint Genetics
Classification: Likely benign. Last evaluated: 2024-11-13. Review status: criteria provided, single submitter. Criteria: ACMG Guidelines, 2015. Collection method: clinical testing. Allele origin: germline.

Eurofins Ntd Llc (ga)
Classification: Likely benign. Last evaluated: 2016-07-28. Review status: criteria provided, single submitter. Criteria: EGL Classification Definitions 2015. Collection method: clinical testing. Allele origin: germline. Observed: 2 variant alleles, 2 heterozygotes.

Breakthrough Genomics
Classification: Likely benign. Review status: criteria provided, single submitter. Criteria: ACMG Guidelines, 2015. Collection method: not provided. Allele origin: germline. Inheritance: Autosomal recessive inheritance. Affected: yes.

PreventionGenetics, part of Exact Sciences
Classification: Benign for FRAS1-related condition. Last evaluated: 2019-05-22. Review status: no assertion criteria provided. Collection method: clinical testing. Allele origin: germline. Not counted in ClinVar's aggregate classification.
Comment: This variant is classified as benign based on ACMG/AMP sequence variant interpretation guidelines (Richards et al. 2015 PMID: 25741868, with internal and published modifications).

NM_025074.7(FRAS1):c.806G>A (p.Arg269Gln)

Gene: FRAS1 (Fraser extracellular matrix complex subunit 1; plus strand). Cytogenetic location: 4q21.21.
Variant type: single nucleotide variant.
Coding change: c.806G>A on transcript NM_025074.7 (MANE Select); coding-DNA position 806, G replaced by A.
Protein change: p.Arg269Gln; replaces arginine 269 with glutamine.
Molecular consequence: missense variant.
Genome position (GRCh38, 1-based): chr4:78,267,257, G>A. VCF-style: chr4-78267257-G-A. GRCh37 (hg19) VCF-style: chr4-79188411-G-A.
Other names: p.Arg269Gln; c.806G>A, p.Arg269Gln (NM_001166133.2); short protein forms R269Q.
Identifiers: ClinVar variation 289289 (VCV000289289.18), dbSNP rs202231425, ClinGen allele CA2976090.